The following is an entry in ClinVar:

NM_005629.4(SLC6A8):c.627T>G (p.Pro209=)

Gene: SLC6A8 (solute carrier family 6 member 8; plus strand). Cytogenetic location: Xq28.
Variant type: single nucleotide variant.
Coding change: c.627T>G on transcript NM_005629.4 (MANE Select); coding-DNA position 627, T replaced by G.
Protein change: p.Pro209=; no amino-acid change (proline 209 retained).
Molecular consequence: synonymous variant.
Genome position (GRCh38, 1-based): chrX:153,691,536, T>G. VCF-style: chrX-153691536-T-G. GRCh37 (hg19) VCF-style: chrX-152956991-T-G.
Other names: c.627T>G, p.Pro209= (NM_001142805.2); c.282T>G, p.Pro94= (NM_001142806.1).
Identifiers: ClinVar variation 1100123 (VCV001100123.11), dbSNP rs1057521539, ClinGen allele CA519344828.

ClinVar aggregate classification (germline): Likely benign. Review status: criteria provided, multiple submitters, no conflicts (2 of 4 stars). 2 submissions from 2 submitters: Likely benign (2). Last evaluated 2026-05-01.

Conditions:
Creatine transporter deficiency (CCDS1). Also called: Mental retardation , X-linked with seizures, short stature and midface hypoplasia; Mental retardation , X-linked, with creatine transport deficiency; X-linked creatine transporter deficiency; X-linked creatine deficiency syndrome; SLC6A8-Related Creatine Transporter Deficiency; CREATINE TRANSPORTER DEFECT. Identifiers: Orphanet 52503, MedGen C1845862, MONDO:0010305, OMIM 300352.

Submissions (2):

CeGaT Center for Human Genetics Tuebingen
Classification: Likely benign. Last evaluated: 2026-05-01. Review status: criteria provided, single submitter. Criteria: CeGaT Center For Human Genetics Tuebingen Variant Classification Criteria Version 2. Collection method: clinical testing. Allele origin: germline. Affected: yes. Observed: 1 variant allele.
Comment: SLC6A8: PM2:Supporting, BP4, BP7

Labcorp Genetics (formerly Invitae), Labcorp
Classification: Likely benign for Creatine transporter deficiency. Last evaluated: 2023-03-19. Review status: criteria provided, single submitter. Criteria: Invitae Variant Classification Sherloc (09022015). Collection method: clinical testing. Allele origin: germline.